The following is an entry in ClinVar:

NM_001330700.2(TOP2B):c.4710+6C>A

Gene: TOP2B (DNA topoisomerase II beta; minus strand). Cytogenetic location: 3p24.2.
Variant type: single nucleotide variant.
Coding change: c.4710+6C>A on transcript NM_001330700.2 (MANE Select); 6 bases into the intron after coding-DNA position 4710, C replaced by A.
Molecular consequence: intron variant.
Genome position (GRCh38, 1-based): chr3:25,599,429, G>T on the plus strand (C>A on the coding strand, the complement: TOP2B is on the minus strand). VCF-style: chr3-25599429-G-T. GRCh37 (hg19) VCF-style: chr3-25640920-G-T.
Other names: c.4695+6C>A (NM_001068.3).
Identifiers: ClinVar variation 1981522 (VCV001981522.4), dbSNP rs373886372, ClinGen allele CA2288013.
Genomic context (GRCh38, chr3:25,599,429, plus strand): 5'-ACTAAGTCACTTACAGATCTTTTTTTAAAAAGCCATGCACTAATATGCAATGATGTTCCC[G>T]GTTACCTTGCTTGTTGTTTTGGATGTTTTCCTGCCAGGGTTATAATCGCCTTCATTTTCA-3'

ClinVar aggregate classification (germline): Uncertain significance (1 of 4 stars; one submission).

Allele frequency attached by ClinVar (database versions not stated): ESP Exome Variant Server 0.00008.
gnomAD v4.1: 6 of 1,612,108 alleles (0.00037%); highest among the groups gnomAD compares: Non-Finnish European, 0.00051%; no homozygotes.

Submission:

Labcorp Genetics (formerly Invitae), Labcorp
Classification: Uncertain significance. Last evaluated: 2024-01-19. Review status: criteria provided, single submitter. Criteria: Invitae Variant Classification Sherloc (09022015). Collection method: clinical testing. Allele origin: germline.
Comment: This sequence change falls in intron 35 of the TOP2B gene. It does not directly change the encoded amino acid sequence of the TOP2B protein. It affects a nucleotide within the consensus splice site. This variant is present in population databases (rs373886372, gnomAD 0.002%). This variant has not been reported in the literature in individuals affected with TOP2B-related conditions. ClinVar contains an entry for this variant (Variation ID: 1981522). Variants that disrupt the consensus splice site are a relatively common cause of aberrant splicing (PMID: 17576681, 9536098). Algorithms developed to predict the effect of sequence changes on RNA splicing suggest that this variant is not likely to affect RNA splicing. In summary, the available evidence is currently insufficient to determine the role of this variant in disease. Therefore, it has been classified as a Variant of Uncertain Significance.

Literature cited by the submitters: PubMed 17576681; PubMed 9536098.